The following is an entry in ClinVar:

NM_000090.4(COL3A1):c.3089G>A (p.Gly1030Asp)

Gene: COL3A1 (collagen type III alpha 1 chain; plus strand). Cytogenetic location: 2q32.2.
Variant type: single nucleotide variant.
Coding change: c.3089G>A on transcript NM_000090.4 (MANE Select); coding-DNA position 3089, G replaced by A.
Protein change: p.Gly1030Asp; replaces glycine 1030 with aspartic acid.
Molecular consequence: missense variant.
Genome position (GRCh38, 1-based): chr2:189,006,255, G>A. VCF-style: chr2-189006255-G-A. GRCh37 (hg19) VCF-style: chr2-189870981-G-A.
Other names: short protein forms G1030D.
Identifiers: ClinVar variation 2702772 (VCV002702772.4), dbSNP rs2469157853, ClinGen allele CA349844986.
Genomic context (GRCh38, chr2:189,006,255, plus strand): 5'-TTTTTAATCAGGGAAACCCTGGATCAGATGGTCTTCCAGGCCGAGATGGATCTCCTGGTG[G>A]CAAGGTATAATAAACACATGTGCAATTGATTTGTGTTATCAAAATAAGTGATCATCATGT-3'
Protein context (NP_000081.2, residues 1020-1040): GLPGRDGSPG[Gly1030Asp]KGDRGENGSP

ClinVar aggregate classification (germline): Uncertain significance. Review status: criteria provided, multiple submitters, no conflicts (2 of 4 stars). 2 submissions from 2 submitters: Uncertain significance (2). Last evaluated 2024-06-10.

Conditions:
Familial thoracic aortic aneurysm and aortic dissection (TAAD). Also called: Thoracic aortic aneurysms and dissections. Identifiers: Orphanet 91387, MedGen C4707243, MONDO:0019625.
Ehlers-Danlos syndrome, type 4 (EDSVASC). Also called: Ehlers-Danlos Syndrome Type IV; Ehlers-Danlos syndrome vascular type; Ehlers Danlos syndrome, ecchymotic type; Ehlers Danlos syndrome, arterial type; Ehlers Danlos syndrome, Sack-Barabas type. Identifiers: Orphanet 286, MedGen C0268338, MONDO:0017314, OMIM 130050.

Submissions (2):

Labcorp Genetics (formerly Invitae), Labcorp
Classification: Uncertain significance for Ehlers-Danlos syndrome, type 4. Last evaluated: 2024-06-10. Review status: criteria provided, single submitter. Criteria: Invitae Variant Classification Sherloc (09022015). Collection method: clinical testing. Allele origin: germline.
Comment: This sequence change replaces glycine, which is neutral and non-polar, with aspartic acid, which is acidic and polar, at codon 1030 of the COL3A1 protein (p.Gly1030Asp). This variant is not present in population databases (gnomAD no frequency). This variant has not been reported in the literature in individuals affected with COL3A1-related conditions. Advanced modeling of protein sequence and biophysical properties (such as structural, functional, and spatial information, amino acid conservation, physicochemical variation, residue mobility, and thermodynamic stability) performed at Invitae indicates that this missense variant is not expected to disrupt COL3A1 protein function with a negative predictive value of 95%. In summary, the available evidence is currently insufficient to determine the role of this variant in disease. Therefore, it has been classified as a Variant of Uncertain Significance.

Color Diagnostics, LLC DBA Color Health
Classification: Uncertain significance for Familial thoracic aortic aneurysm and aortic dissection. Last evaluated: 2021-11-24. Review status: criteria provided, single submitter. Criteria: ACMG Guidelines, 2015. Collection method: clinical testing. Allele origin: germline.
Comment: This missense variant replaces glycine with aspartic acid at codon 1030 of the COL3A1 protein. Computational prediction suggests that this variant may not impact protein structure and function (internally defined REVEL score threshold <= 0.5, PMID: 27666373). To our knowledge, functional studies have not been reported for this variant. This variant has not been reported in individuals affected with cardiovascular disorders in the literature. This variant has not been identified in the general population by the Genome Aggregation Database (gnomAD). The available evidence is insufficient to determine the role of this variant in disease conclusively. Therefore, this variant is classified as a Variant of Uncertain Significance.